The following is an entry in ClinVar:

ClinVar aggregate classification (germline): Uncertain significance (1 of 4 stars; one submission).

Submission:

Labcorp Genetics (formerly Invitae), Labcorp
Classification: Uncertain significance. Last evaluated: 2018-09-06. Review status: criteria provided, single submitter. Criteria: Invitae Variant Classification Sherloc (09022015). Collection method: clinical testing. Allele origin: germline.
Comment: This sequence change replaces valine with isoleucine at codon 356 of the NOTCH3 protein (p.Val356Ile). The valine residue is highly conserved and there is a small physicochemical difference between valine and isoleucine. This variant is not present in population databases (ExAC no frequency). This variant has not been reported in the literature in individuals with NOTCH3-related disease. Algorithms developed to predict the effect of missense changes on protein structure and function (SIFT, PolyPhen-2, Align-GVGD) all suggest that this variant is likely to be disruptive, but these predictions have not been confirmed by published functional studies and their clinical significance is uncertain. In summary, the available evidence is currently insufficient to determine the role of this variant in disease. Therefore, it has been classified as a Variant of Uncertain Significance.

NM_000435.3(NOTCH3):c.1066G>A (p.Val356Ile)

Gene: NOTCH3 (notch receptor 3; minus strand). Cytogenetic location: 19p13.12.
Variant type: single nucleotide variant.
Coding change: c.1066G>A on transcript NM_000435.3 (MANE Select); coding-DNA position 1066, G replaced by A.
Protein change: p.Val356Ile; replaces valine 356 with isoleucine.
Molecular consequence: missense variant.
Genome position (GRCh38, 1-based): chr19:15,189,399, C>T on the plus strand (G>A on the coding strand, the complement: NOTCH3 is on the minus strand). VCF-style: chr19-15189399-C-T. GRCh37 (hg19) VCF-style: chr19-15300210-C-T.
Other names: short protein forms V356I.
Identifiers: ClinVar variation 661971 (VCV000661971.8), dbSNP rs1599392135, ClinGen allele CA404529489.